The following is an entry in ClinVar:

NM_001012614.2(CTBP1):c.984C>T (p.Ile328=)

Genes: CTBP1 (C-terminal binding protein 1; minus strand), CTBP1-AS (CTBP1 antisense RNA; plus strand). Cytogenetic location: 4p16.3.
Variant type: single nucleotide variant.
Coding change: c.984C>T on transcript NM_001012614.2 (MANE Select); coding-DNA position 984, C replaced by T.
Protein change: p.Ile328=; no amino-acid change (isoleucine 328 retained).
Molecular consequence: synonymous variant.
Genome position (GRCh38, 1-based): chr4:1,213,482, G>A on the plus strand (C>T on the coding strand, the complement: CTBP1 is on the minus strand). VCF-style: chr4-1213482-G-A. GRCh37 (hg19) VCF-style: chr4-1207270-G-A.
Other names: c.1017C>T, p.Ile339= (NM_001328.3, NM_001377186.1); c.984C>T, p.Ile328= (NM_001377187.1, NM_001377188.1, NM_001377189.1 and 4 more transcripts).
Identifiers: ClinVar variation 2654548 (VCV002654548.25), dbSNP rs749187606, ClinGen allele CA2804231.

ClinVar aggregate classification (germline): Likely benign. Review status: criteria provided, multiple submitters, no conflicts (2 of 4 stars). 2 submissions from 2 submitters: Likely benign (2). Last evaluated 2024-02-28.

Allele frequency attached by ClinVar (database versions not stated): gnomAD 0.00001; TOPMed 0.00001; ExAC 0.00005.
gnomAD v4.1: 40 of 1,610,972 alleles (0.0025%); highest among the groups gnomAD compares: Non-Finnish European, 0.0023%; no homozygotes.

Submissions (2):

Blueprint Genetics
Classification: Likely benign. Last evaluated: 2024-02-28. Review status: criteria provided, single submitter. Criteria: ACMG Guidelines, 2015. Collection method: clinical testing. Allele origin: germline.

CeGaT Center for Human Genetics Tuebingen
Classification: Likely benign. Last evaluated: 2022-05-01. Review status: criteria provided, single submitter. Criteria: CeGaT Center For Human Genetics Tuebingen Variant Classification Criteria Version 2. Collection method: clinical testing. Allele origin: germline. Affected: yes. Observed: 1 variant allele.
Comment: CTBP1: BP4, BP7